The following is an entry in ClinVar:

ClinVar aggregate classification (germline): Uncertain significance. Review status: criteria provided, multiple submitters, no conflicts (2 of 4 stars). 5 submissions from 5 submitters: Uncertain significance (5). Last evaluated 2025-02-25.

Conditions:
Hypertrophic cardiomyopathy 14. Identifiers: MedGen C2750467, MONDO:0013197, OMIM 613251.
Cardiovascular phenotype. Identifiers: MedGen CN230736.

Allele frequency attached by ClinVar (database versions not stated): gnomAD exomes below 0.00001; ExAC 0.00001; gnomAD 0.00003; TOPMed 0.00003.

Submissions (5):

GeneDx
Classification: Uncertain significance. Last evaluated: 2025-02-25. Review status: criteria provided, single submitter. Criteria: GeneDx Variant Classification Process June 2021. Collection method: clinical testing. Allele origin: germline. Affected: yes.
Comment: Not observed at significant frequency in large population cohorts (gnomAD); In silico analysis indicates that this missense variant does not alter protein structure/function; Has not been previously published as pathogenic or benign to our knowledge

Ambry Genetics
Classification: Uncertain significance for Cardiovascular phenotype. Last evaluated: 2024-11-27. Review status: criteria provided, single submitter. Criteria: Ambry Variant Classification Scheme 2023. Collection method: clinical testing. Allele origin: germline.
Comment: The p.K1756R variant (also known as c.5267A>G), located in coding exon 33 of the MYH6 gene, results from an A to G substitution at nucleotide position 5267. The lysine at codon 1756 is replaced by arginine, an amino acid with highly similar properties. This amino acid position is conserved. In addition, the in silico prediction for this alteration is inconclusive. Since supporting evidence is limited at this time, the clinical significance of this alteration remains unclear.

Women's Health and Genetics/Laboratory Corporation of America, LabCorp
Classification: Uncertain significance. Last evaluated: 2024-06-17. Review status: criteria provided, single submitter. Criteria: LabCorp Variant Classification Summary - May 2015. Collection method: clinical testing. Allele origin: germline.

Labcorp Genetics (formerly Invitae), Labcorp
Classification: Uncertain significance for Hypertrophic cardiomyopathy 14. Last evaluated: 2023-05-02. Review status: criteria provided, single submitter. Criteria: Invitae Variant Classification Sherloc (09022015). Collection method: clinical testing. Allele origin: germline.
Comment: This sequence change replaces lysine, which is basic and polar, with arginine, which is basic and polar, at codon 1756 of the MYH6 protein (p.Lys1756Arg). In summary, the available evidence is currently insufficient to determine the role of this variant in disease. Therefore, it has been classified as a Variant of Uncertain Significance. Advanced modeling of protein sequence and biophysical properties (such as structural, functional, and spatial information, amino acid conservation, physicochemical variation, residue mobility, and thermodynamic stability) performed at Invitae indicates that this missense variant is not expected to disrupt MYH6 protein function. ClinVar contains an entry for this variant (Variation ID: 432437). This variant has not been reported in the literature in individuals affected with MYH6-related conditions. This variant is present in population databases (rs746064687, gnomAD 0.002%).

Revvity Omics, Revvity
Classification: Uncertain significance. Last evaluated: 2021-04-16. Review status: criteria provided, single submitter. Criteria: ACMG Guidelines, 2015. Collection method: clinical testing. Allele origin: germline.

NM_002471.4(MYH6):c.5267A>G (p.Lys1756Arg)

Gene: MYH6 (myosin heavy chain 6; minus strand). Cytogenetic location: 14q11.2.
Variant type: single nucleotide variant.
Coding change: c.5267A>G on transcript NM_002471.4 (MANE Select); coding-DNA position 5267, A replaced by G.
Protein change: p.Lys1756Arg; replaces lysine 1756 with arginine.
Molecular consequence: missense variant.
Genome position (GRCh38, 1-based): chr14:23,384,938, T>C on the plus strand (A>G on the coding strand, the complement: MYH6 is on the minus strand). VCF-style: chr14-23384938-T-C. GRCh37 (hg19) VCF-style: chr14-23854147-T-C.
Other names: short protein forms K1756R.
Identifiers: ClinVar variation 432437 (VCV000432437.19), dbSNP rs746064687, ClinGen allele CA7114498.